The following is an entry in ClinVar:

NM_004320.6(ATP2A1):c.761_768del (p.Asp254fs)

Gene: ATP2A1 (ATPase sarcoplasmic/endoplasmic reticulum Ca2+ transporting 1; plus strand). Cytogenetic location: 16p11.2.
Variant type: Deletion.
Coding change: c.761_768del on transcript NM_004320.6 (MANE Select); coding-DNA positions 761 to 768, 8 bases deleted (ATGAGTTT; older notation c.761_768delATGAGTTT).
Protein change: p.Asp254fs; shifts the reading frame from aspartic acid 254.
Molecular consequence: frameshift variant.
Genome position (GRCh38, 1-based): chr16:28,887,555-28,887,562, ATGAGTTT deleted. VCF-style (leftmost placement, unchanged base first): chr16-28887554-GATGAGTTT-G. GRCh37 (hg19) VCF-style: chr16-28898875-GATGAGTTT-G.
Other names: c.386_393del, p.Asp129fs (NM_001286075.2); c.761_768del, p.Asp254fs (NM_173201.5); short protein forms D254fs, D129fs.
Identifiers: ClinVar variation 4991363 (VCV004991363.1).

ClinVar aggregate classification (germline): Likely pathogenic (1 of 4 stars; one submission).

Conditions:
ATP2A1-related disorder. Also called: ATP2A1-related condition.

Submission:

PreventionGenetics, part of Exact Sciences
Classification: Likely pathogenic for ATP2A1-related condition. Last evaluated: 2025-12-08. Review status: criteria provided, single submitter. Criteria: ACMG Guidelines, 2015. Collection method: clinical testing. Allele origin: germline.
Comment: The ATP2A1 c.761_768del8 variant is predicted to result in a frameshift and premature protein termination (p.Asp254Glyfs*41). To our knowledge, this variant has not been reported in the literature or in a large population database (gnomAD), indicating this variant is rare. Frameshift variants in ATP2A1 are expected to be pathogenic. This variant is interpreted as likely pathogenic.